The following is an entry in ClinVar:

ClinVar aggregate classification (germline): Likely benign (1 of 4 stars; one submission).

Allele frequency attached by ClinVar (database versions not stated): 1000 Genomes Project 30x 0.01515; gnomAD 0.02558 and 0.02579.

Submission:

GeneDx
Classification: Likely benign. Last evaluated: 2018-06-14. Review status: criteria provided, single submitter. Criteria: GeneDx Variant Classification (06012015). Collection method: clinical testing. Allele origin: germline. Affected: yes.
Comment: This variant is considered likely benign or benign based on one or more of the following criteria: it is a conservative change, it occurs at a poorly conserved position in the protein, it is predicted to be benign by multiple in silico algorithms, and/or has population frequency not consistent with disease.

NM_001130438.3(SPTAN1):c.504+157_504+158insCTCTCCAGCTCTCC

Gene: SPTAN1 (spectrin alpha, non-erythrocytic 1; plus strand). Cytogenetic location: 9q34.11.
Variant type: Insertion.
Coding change: c.504+157_504+158insCTCTCCAGCTCTCC on transcript NM_001130438.3 (MANE Select); bases 157 to 158 of the intron after coding-DNA position 504, CTCTCCAGCTCTCC inserted.
Molecular consequence: intron variant.
Genome position: GRCh38 VCF-style: chr9-128574972-G-GCTCTCCAGCTCTCC. GRCh37 (hg19) VCF-style: chr9-131337251-G-GCTCTCCAGCTCTCC.
Other names: c.504+157_504+158insCTCTCCAGCTCTCC (NM_001363759.2, NM_003127.4, NM_001363765.2 and 1 more transcripts).
Identifiers: ClinVar variation 673099 (VCV000673099.1), dbSNP rs765490751, ClinGen allele CA200430340.